The following is an entry in ClinVar:

ClinVar aggregate classification (germline): Uncertain significance (1 of 4 stars; one submission).

Conditions:
FAT1-related disorder. Also called: FAT1-related condition.

Allele frequency attached by ClinVar (database versions not stated): gnomAD exomes below 0.00001.
gnomAD v4.1: 1 of 1,613,918 alleles (0.000062%); highest among the groups gnomAD compares: East Asian, 0.0022%; no homozygotes.

Submission:

PreventionGenetics, part of Exact Sciences
Classification: Uncertain significance for FAT1-related condition. Last evaluated: 2022-11-17. Review status: criteria provided, single submitter. Criteria: ACMG Guidelines, 2015. Collection method: clinical testing. Allele origin: germline.
Comment: The FAT1 c.13627A>G variant is predicted to result in the amino acid substitution p.Thr4543Ala. To our knowledge, this variant has not been reported in the literature or in a large population database, indicating this variant is rare. At this time, the clinical significance of this variant is uncertain due to the absence of conclusive functional and genetic evidence.

NM_005245.4(FAT1):c.13627A>G (p.Thr4543Ala)

Genes: FAT1 (FAT atypical cadherin 1; minus strand), LOC126807253 (BRD4-independent group 4 enhancer GRCh37_chr4:187509297-187510496; plus strand). Cytogenetic location: 4q35.2.
Variant type: single nucleotide variant.
Coding change: c.13627A>G on transcript NM_005245.4 (MANE Select); coding-DNA position 13627, A replaced by G.
Protein change: p.Thr4543Ala; replaces threonine 4543 with alanine.
Molecular consequence: missense variant.
Genome position (GRCh38, 1-based): chr4:186,588,732, T>C on the plus strand (A>G on the coding strand, the complement: FAT1 is on the minus strand). VCF-style: chr4-186588732-T-C. GRCh37 (hg19) VCF-style: chr4-187509886-T-C.
Other names: short protein forms T4543A.
Identifiers: ClinVar variation 2635387 (VCV002635387.1), dbSNP rs2477220153, ClinGen allele CA358961443.